The following is an entry in ClinVar:

ClinVar aggregate classification (germline): Likely benign. Review status: criteria provided, multiple submitters, no conflicts (2 of 4 stars). 4 submissions from 4 submitters: Likely benign (4). Last evaluated 2025-09-08.

Conditions:
Inborn genetic diseases. Identifiers: MedGen C0950123, MeSH D030342.

Allele frequency attached by ClinVar (database versions not stated): gnomAD 0.00002; gnomAD exomes 0.00002 and 0.00003; ExAC 0.00003; TOPMed 0.00005.

Submissions (4):

Labcorp Genetics (formerly Invitae), Labcorp
Classification: Likely benign. Last evaluated: 2025-09-08. Review status: criteria provided, single submitter. Criteria: Invitae Variant Classification Sherloc (09022015). Collection method: clinical testing. Allele origin: germline.

CeGaT Center for Human Genetics Tuebingen
Classification: Likely benign. Last evaluated: 2024-10-01. Review status: criteria provided, single submitter. Criteria: CeGaT Center For Human Genetics Tuebingen Variant Classification Criteria Version 2. Collection method: clinical testing. Allele origin: germline. Affected: yes. Observed: 1 variant allele.
Comment: ERCC2: BP4, BP7

Blueprint Genetics
Classification: Likely benign. Last evaluated: 2023-06-20. Review status: criteria provided, single submitter. Criteria: ACMG Guidelines, 2015. Collection method: clinical testing. Allele origin: germline.

Ambry Genetics
Classification: Likely benign for Inborn genetic diseases. Last evaluated: 2022-02-12. Review status: criteria provided, single submitter. Criteria: Ambry Variant Classification Scheme 2023. Collection method: clinical testing. Allele origin: germline.

NM_000400.4(ERCC2):c.1338C>T (p.Pro446=)

Gene: ERCC2 (ERCC excision repair 2, TFIIH core complex helicase subunit; minus strand). Cytogenetic location: 19q13.32.
Variant type: single nucleotide variant.
Coding change: c.1338C>T on transcript NM_000400.4 (MANE Select); coding-DNA position 1338, C replaced by T.
Protein change: p.Pro446=; no amino-acid change (proline 446 retained).
Molecular consequence: synonymous variant.
Genome position (GRCh38, 1-based): chr19:45,357,513, G>A on the plus strand (C>T on the coding strand, the complement: ERCC2 is on the minus strand). VCF-style: chr19-45357513-G-A. GRCh37 (hg19) VCF-style: chr19-45860771-G-A.
Identifiers: ClinVar variation 732542 (VCV000732542.25), dbSNP rs774542180, ClinGen allele CA9513345.